The following is an entry in ClinVar:

NM_001042492.3(NF1):c.1527+238C>T

Gene: NF1 (neurofibromin 1; plus strand). Cytogenetic location: 17q11.2.
Variant type: single nucleotide variant.
Coding change: c.1527+238C>T on transcript NM_001042492.3 (MANE Select); 238 bases into the intron after coding-DNA position 1527, C replaced by T.
Molecular consequence: intron variant.
Genome position (GRCh38, 1-based): chr17:31,214,823, C>T. VCF-style: chr17-31214823-C-T. GRCh37 (hg19) VCF-style: chr17-29541841-C-T.
Other names: c.1527+238C>T (NM_000267.4, NM_001128147.3).
Identifiers: ClinVar variation 561513 (VCV000561513.1), dbSNP rs116149910, ClinGen allele CA289356950.

ClinVar aggregate classification (germline): Likely benign (1 of 4 stars; one submission).

Allele frequency attached by ClinVar (database versions not stated): 1000 Genomes Project 30x 0.00265; gnomAD 0.00310 and 0.00336; TOPMed 0.00318; 1000 Genomes Project 0.00260.
gnomAD v4.1: 469 of 152,034 alleles (0.31%); highest among the groups gnomAD compares: African/African-American, 1%; 1 homozygote.

Submission:

GeneDx
Classification: Likely benign. Last evaluated: 2018-06-15. Review status: criteria provided, single submitter. Criteria: GeneDx Variant Classification (06012015). Collection method: clinical testing. Allele origin: germline. Affected: yes.
Comment: This variant is considered likely benign or benign based on one or more of the following criteria: it is a conservative change, it occurs at a poorly conserved position in the protein, it is predicted to be benign by multiple in silico algorithms, and/or has population frequency not consistent with disease.